The following is an entry in ClinVar:

ClinVar aggregate classification (germline): Uncertain significance (1 of 4 stars; one submission).

gnomAD v4.1: 1 of 1,543,878 alleles (0.000065%); highest among the groups gnomAD compares: Non-Finnish European, 0.000087%; no homozygotes.

Submission:

GeneDx
Classification: Uncertain significance. Last evaluated: 2023-01-24. Review status: criteria provided, single submitter. Criteria: GeneDx Variant Classification Process June 2021. Collection method: clinical testing. Allele origin: germline. Affected: yes.
Comment: Not observed at significant frequency in large population cohorts (gnomAD); In silico analysis supports that this missense variant has a deleterious effect on protein structure/function; Has not been previously published as pathogenic or benign to our knowledge

NM_020719.3(PRR12):c.998C>T (p.Pro333Leu)

Gene: PRR12 (proline rich 12; plus strand). Cytogenetic location: 19q13.33.
Variant type: single nucleotide variant.
Coding change: c.998C>T on transcript NM_020719.3 (MANE Select); coding-DNA position 998, C replaced by T.
Protein change: p.Pro333Leu; replaces proline 333 with leucine.
Molecular consequence: missense variant.
Genome position (GRCh38, 1-based): chr19:49,595,333, C>T. VCF-style: chr19-49595333-C-T. GRCh37 (hg19) VCF-style: chr19-50098590-C-T.
Other names: short protein forms P333L.
Identifiers: ClinVar variation 2574305 (VCV002574305.1), dbSNP rs2080758819, ClinGen allele CA406859619.